The following is an entry in ClinVar:

NM_001122630.2(CDKN1C):c.314G>T (p.Ser105Ile)

Gene: CDKN1C (cyclin dependent kinase inhibitor 1C; minus strand). Cytogenetic location: 11p15.4.
Variant type: single nucleotide variant.
Coding change: c.314G>T on transcript NM_001122630.2 (MANE Select); coding-DNA position 314, G replaced by T.
Protein change: p.Ser105Ile; replaces serine 105 with isoleucine.
Molecular consequence: missense variant. On other transcripts: intron variant (1).
Genome position (GRCh38, 1-based): chr11:2,885,143, C>A on the plus strand (G>T on the coding strand, the complement: CDKN1C is on the minus strand). VCF-style: chr11-2885143-C-A. GRCh37 (hg19) VCF-style: chr11-2906373-C-A.
Other names: c.347G>T, p.Ser116Ile (NM_000076.2, NM_001362474.2); c.314G>T, p.Ser105Ile (NM_001122631.2); c.255+59G>T (NM_001362475.2); short protein forms S116I, S105I.
Identifiers: ClinVar variation 1034716 (VCV001034716.9), dbSNP rs1197769841, ClinGen allele CA379146884.

ClinVar aggregate classification (germline): Uncertain significance. Review status: criteria provided, multiple submitters, no conflicts (2 of 4 stars). 2 submissions from 2 submitters: Uncertain significance (2). Last evaluated 2024-12-20.

Conditions:
Beckwith-Wiedemann syndrome (BWS). Also called: EMG SYNDROME; Exomphalos macroglossia gigantism syndrome. Identifiers: Orphanet 116, MedGen C0004903, MONDO:0007534, OMIM 130650.

Allele frequency attached by ClinVar (database versions not stated): gnomAD 0.00001; TOPMed 0.00002.
gnomAD v4.1: 4 of 1,512,792 alleles (0.00026%); highest among the groups gnomAD compares: Non-Finnish European, 0.00035%; no homozygotes.

Submissions (2):

Labcorp Genetics (formerly Invitae), Labcorp
Classification: Uncertain significance for Beckwith-Wiedemann syndrome. Last evaluated: 2024-12-20. Review status: criteria provided, single submitter. Criteria: Invitae Variant Classification Sherloc (09022015). Collection method: clinical testing. Allele origin: germline.
Comment: This sequence change replaces serine, which is neutral and polar, with isoleucine, which is neutral and non-polar, at codon 116 of the CDKN1C protein (p.Ser116Ile). This variant is not present in population databases (gnomAD no frequency). This variant has not been reported in the literature in individuals affected with CDKN1C-related conditions. ClinVar contains an entry for this variant (Variation ID: 1034716). Invitae Evidence Modeling of protein sequence and biophysical properties (such as structural, functional, and spatial information, amino acid conservation, physicochemical variation, residue mobility, and thermodynamic stability) indicates that this missense variant is not expected to disrupt CDKN1C protein function with a negative predictive value of 80%. In summary, the available evidence is currently insufficient to determine the role of this variant in disease. Therefore, it has been classified as a Variant of Uncertain Significance.

Baylor Genetics
Classification: Uncertain significance for Beckwith-Wiedemann syndrome. Last evaluated: 2023-06-29. Review status: criteria provided, single submitter. Criteria: ACMG Guidelines, 2015. Collection method: clinical testing. Allele origin: unknown.